The following is an entry in ClinVar:

NM_000059.4(BRCA2):c.8489G>C (p.Trp2830Ser)

Gene: BRCA2 (BRCA2 DNA repair associated; plus strand). Cytogenetic location: 13q13.1.
Variant type: single nucleotide variant.
Coding change: c.8489G>C on transcript NM_000059.4 (MANE Select); coding-DNA position 8489, G replaced by C.
Protein change: p.Trp2830Ser; replaces tryptophan 2830 with serine.
Molecular consequence: missense variant. On other transcripts: non-coding transcript variant (1).
Genome position (GRCh38, 1-based): chr13:32,370,957, G>C. VCF-style: chr13-32370957-G-C. GRCh37 (hg19) VCF-style: chr13-32945094-G-C.
Other names: c.8393G>C, p.Trp2798Ser (NM_001406719.1); c.8489G>C, p.Trp2830Ser (NM_001406720.1); c.3557G>C, p.Trp1186Ser (NM_001406721.1); c.2072G>C, p.Trp691Ser (NM_001406722.1); short protein forms W1186S, W2798S, W2830S, W691S.
Identifiers: ClinVar variation 2504252 (VCV002504252.1), dbSNP rs80359101, ClinGen allele CA387752658.

ClinVar aggregate classification (germline): Uncertain significance (1 of 4 stars; one submission).

Submission:

GeneDx
Classification: Uncertain significance. Last evaluated: 2022-12-05. Review status: criteria provided, single submitter. Criteria: GeneDx Variant Classification Process June 2021. Collection method: clinical testing. Allele origin: germline. Affected: yes.
Comment: Not observed at significant frequency in large population cohorts (gnomAD); In silico analysis supports that this missense variant has a deleterious effect on protein structure/function; Has not been previously published as pathogenic or benign to our knowledge; Also known as 8717G>C; This variant is associated with the following publications: (PMID: 12228710)